The following is an entry in ClinVar:

ClinVar aggregate classification (germline): Uncertain significance. Review status: criteria provided, multiple submitters, no conflicts (2 of 4 stars). 3 submissions from 3 submitters: Uncertain significance (3). Last evaluated 2023-03-29.

Conditions:
Sucrase-isomaltase deficiency (CSID). Also called: Deficiency of isomaltase; Congenital sucrose isomaltose malabsorption; Sucrose isomaltose enzyme deficiency; SI DEFICIENCY. Identifiers: Orphanet 35122, MedGen C1283620, MONDO:0009114, OMIM 222900.

Allele frequency attached by ClinVar (database versions not stated): gnomAD exomes below 0.00001 and 0.00001; ExAC 0.00001; gnomAD 0.00001 and 0.00002; TOPMed 0.00001; 1000 Genomes Project 30x 0.00016; 1000 Genomes Project 0.00020.
gnomAD v4.1: 10 of 1,600,648 alleles (0.00062%); highest among the groups gnomAD compares: Non-Finnish European, 0.00086%; no homozygotes.

Submissions (3):

Blueprint Genetics
Classification: Uncertain significance. Last evaluated: 2023-03-29. Review status: criteria provided, single submitter. Criteria: ACMG Guidelines, 2015. Collection method: clinical testing. Allele origin: germline.

Labcorp Genetics (formerly Invitae), Labcorp
Classification: Uncertain significance. Last evaluated: 2022-10-25. Review status: criteria provided, single submitter. Criteria: Invitae Variant Classification Sherloc (09022015). Collection method: clinical testing. Allele origin: germline.
Comment: This variant is present in population databases (rs551453053, gnomAD 0.002%). In summary, the available evidence is currently insufficient to determine the role of this variant in disease. Therefore, it has been classified as a Variant of Uncertain Significance. Advanced modeling of protein sequence and biophysical properties (such as structural, functional, and spatial information, amino acid conservation, physicochemical variation, residue mobility, and thermodynamic stability) has been performed at Invitae for this missense variant, however the output from this modeling did not meet the statistical confidence thresholds required to predict the impact of this variant on SI protein function. ClinVar contains an entry for this variant (Variation ID: 1349484). This variant has not been reported in the literature in individuals affected with SI-related conditions. This sequence change replaces valine, which is neutral and non-polar, with alanine, which is neutral and non-polar, at codon 509 of the SI protein (p.Val509Ala).

Fulgent Genetics
Classification: Uncertain significance for Sucrase-isomaltase deficiency. Last evaluated: 2021-08-14. Review status: criteria provided, single submitter. Criteria: ACMG Guidelines, 2015. Collection method: clinical testing. Allele origin: unknown.

NM_001041.4(SI):c.1526T>C (p.Val509Ala)

Gene: SI (sucrase-isomaltase; minus strand). Cytogenetic location: 3q26.1.
Variant type: single nucleotide variant.
Coding change: c.1526T>C on transcript NM_001041.4 (MANE Select); coding-DNA position 1526, T replaced by C.
Protein change: p.Val509Ala; replaces valine 509 with alanine.
Molecular consequence: missense variant.
Genome position (GRCh38, 1-based): chr3:165,049,862, A>G on the plus strand (T>C on the coding strand, the complement: SI is on the minus strand). VCF-style: chr3-165049862-A-G. GRCh37 (hg19) VCF-style: chr3-164767650-A-G.
Other names: short protein forms V509A.
Identifiers: ClinVar variation 1349484 (VCV001349484.8), dbSNP rs551453053, ClinGen allele CA2691028.